The following is an entry in ClinVar:

ClinVar aggregate classification (germline): Conflicting classifications of pathogenicity. Review status: criteria provided, conflicting classifications (1 of 4 stars). 3 submissions from 3 submitters: Uncertain significance (1); Likely benign (1). 1 of the submissions does not count toward it. Last evaluated 2026-01-22.

Conditions:
VPS33B-related disorder. Also called: VPS33B-related condition.

Allele frequency attached by ClinVar (database versions not stated): gnomAD exomes 0.00003 and 0.00014; ExAC 0.00019; gnomAD 0.00039 and 0.00040; TOPMed 0.00060; ESP Exome Variant Server 0.00062; 1000 Genomes Project 30x 0.00078; 1000 Genomes Project 0.00100.
gnomAD v4.1: 114 of 1,614,220 alleles (0.0071%); highest among the groups gnomAD compares: African/African-American, 0.12%; 1 homozygote.

Submissions (3):

Labcorp Genetics (formerly Invitae), Labcorp
Classification: Likely benign. Last evaluated: 2026-01-22. Review status: criteria provided, single submitter. Criteria: Invitae Variant Classification Sherloc (09022015). Collection method: clinical testing. Allele origin: germline.

Eurofins Ntd Llc (ga)
Classification: Uncertain significance. Last evaluated: 2018-02-22. Review status: criteria provided, single submitter. Criteria: EGL ClinVar v180209 classification definitions. Collection method: clinical testing. Allele origin: germline. Observed: 3 variant alleles, 3 heterozygotes.

PreventionGenetics, part of Exact Sciences
Classification: Likely benign for VPS33B-related condition. Last evaluated: 2019-05-03. Review status: no assertion criteria provided. Collection method: clinical testing. Allele origin: germline. Not counted in ClinVar's aggregate classification.
Comment: This variant is classified as likely benign based on ACMG/AMP sequence variant interpretation guidelines (Richards et al. 2015 PMID: 25741868, with internal and published modifications).

NM_018668.5(VPS33B):c.1207T>C (p.Leu403=)

Gene: VPS33B (VPS33B late endosome and lysosome associated; minus strand). Cytogenetic location: 15q26.1.
Variant type: single nucleotide variant.
Coding change: c.1207T>C on transcript NM_018668.5 (MANE Select); coding-DNA position 1207, T replaced by C.
Protein change: p.Leu403=; no amino-acid change (leucine 403 retained).
Molecular consequence: synonymous variant.
Genome position (GRCh38, 1-based): chr15:91,004,895, A>G on the plus strand (T>C on the coding strand, the complement: VPS33B is on the minus strand). VCF-style: chr15-91004895-A-G. GRCh37 (hg19) VCF-style: chr15-91548125-A-G.
Other names: c.1126T>C, p.Leu376= (NM_001289148.1); c.934T>C, p.Leu312= (NM_001289149.1).
Identifiers: ClinVar variation 289876 (VCV000289876.15), dbSNP rs139655526, ClinGen allele CA7744741.
Genomic context (GRCh38, chr15:91,004,895, plus strand): 5'-TTTCTCAATCTGACATTCTCATCTTCAGTCTTTTGGGCTCACCATTCTCAGTGATGGACA[A>G]AAGGCACATGAGGCGCAGGCTTTCTATAGGCGACACCTGCATAGGAAGAAAGAATCAAGG-3'
Protein context (NP_061138.3, residues 393-413): PIESLRLMCL[Leu403=]SITENGLIPK